The following is an entry in ClinVar:

ClinVar aggregate classification (germline): Likely pathogenic (1 of 4 stars; one submission).

Conditions:
Glycine encephalopathy. Also called: Nonketotic hyperglycinemia; Non-ketotic hyperglycinemia. Identifiers: Orphanet 407, MedGen C0751748, MONDO:0011612, HP:0008288.

Submission:

Natera, Inc.
Classification: Likely pathogenic for Non-ketotic hyperglycinemia. Last evaluated: 2025-01-05. Review status: criteria provided, single submitter. Criteria: Natera Variant Classification Schema (03/2026). Collection method: clinical testing. Allele origin: germline.
Comment: The c.898_899del variant in AMT is a frameshift variant predicted to shift the reading frame beginning at codon 300 and leads to a stop codon 26 codons downstream. This variant is expected to result in nonsense mediated decay, truncation, or a dysfunctional protein product. This variant is rare in the general population with a frequency below the threshold expected for the associated phenotype(s). Given the available evidence, this variant is classified as Likely Pathogenic.

NM_000481.4(AMT):c.898_899del (p.Met300fs)

Gene: AMT (aminomethyltransferase; minus strand). Cytogenetic location: 3p21.31.
Variant type: Deletion.
Coding change: c.898_899del on transcript NM_000481.4 (MANE Select); coding-DNA positions 898 to 899, 2 bases deleted (AT; older notation c.898_899delAT).
Protein change: p.Met300fs; shifts the reading frame from methionine 300.
Molecular consequence: frameshift variant. On other transcripts: non-coding transcript variant (1).
Genome position (GRCh38, 1-based): chr3:49,417,952-49,417,953, AT deleted on the plus strand (AT on the coding strand, the reverse complement: AMT is on the minus strand); deleting any 2 consecutive bases within chr3:49,417,952-49,417,954 gives the same sequence; the c. name uses the placement nearest the transcript's 3' end. VCF-style (leftmost placement, unchanged base first): chr3-49417951-CAT-C. GRCh37 (hg19) VCF-style: chr3-49455384-CAT-C.
Other names: c.897_898delTA, p.Met300Glyfs (NM_000481.3); c.766_767del, p.Met256fs (NM_001164710.2); c.730_731del, p.Met244fs (NM_001164711.2); c.898_899del, p.Met300fs (NM_001164712.2); short protein forms M244fs, M256fs, M300fs.
Identifiers: ClinVar variation 4060600 (VCV004060600.2).